The following is an entry in ClinVar:

NM_030665.4(RAI1):c.2507G>A (p.Arg836Gln)

Gene: RAI1 (retinoic acid induced 1; plus strand). Cytogenetic location: 17p11.2.
Variant type: single nucleotide variant.
Coding change: c.2507G>A on transcript NM_030665.4 (MANE Select); coding-DNA position 2507, G replaced by A.
Protein change: p.Arg836Gln; replaces arginine 836 with glutamine.
Molecular consequence: missense variant.
Genome position (GRCh38, 1-based): chr17:17,795,455, G>A. VCF-style: chr17-17795455-G-A. GRCh37 (hg19) VCF-style: chr17-17698769-G-A.
Other names: c.2507G>A (NM_030665.3); short protein forms R836Q.
Identifiers: ClinVar variation 1664382 (VCV001664382.10), dbSNP rs569207424, ClinGen allele CA8418554.

ClinVar aggregate classification (germline): Likely benign. Review status: criteria provided, single submitter (1 of 4 stars). 2 submissions from 2 submitters: Likely benign (1). 1 of the submissions does not count toward it. Last evaluated 2024-11-13.

Conditions:
RAI1-related disorder. Also called: RAI1-related condition.

Allele frequency attached by ClinVar (database versions not stated): gnomAD 0.00004 and 0.00005; TOPMed 0.00004; gnomAD exomes 0.00010; 1000 Genomes Project 0.00020; ExAC 0.00023; 1000 Genomes Project 30x 0.00031.
gnomAD v4.1: 70 of 1,586,296 alleles (0.0044%); highest among the groups gnomAD compares: East Asian, 0.053%; 1 homozygote.

Submissions (2):

Labcorp Genetics (formerly Invitae), Labcorp
Classification: Likely benign. Last evaluated: 2024-11-13. Review status: criteria provided, single submitter. Criteria: Invitae Variant Classification Sherloc (09022015). Collection method: clinical testing. Allele origin: germline.

PreventionGenetics, part of Exact Sciences
Classification: Likely benign for RAI1-related condition. Last evaluated: 2022-07-19. Review status: no assertion criteria provided. Collection method: clinical testing. Allele origin: germline. Not counted in ClinVar's aggregate classification.
Comment: This variant is classified as likely benign based on ACMG/AMP sequence variant interpretation guidelines (Richards et al. 2015 PMID: 25741868, with internal and published modifications).